The following is an entry in ClinVar:

ClinVar aggregate classification (germline): Uncertain significance (1 of 4 stars; one submission).

Conditions:
Inborn genetic diseases. Identifiers: MedGen C0950123, MeSH D030342.

Submission:

Ambry Genetics
Classification: Uncertain significance for Inborn genetic diseases. Last evaluated: 2025-01-13. Review status: criteria provided, single submitter. Criteria: Ambry Variant Classification Scheme 2023. Collection method: clinical testing. Allele origin: germline.
Comment: The p.V343I variant (also known as c.1027G>A), located in coding exon 1 of the SAMD9L gene, results from a G to A substitution at nucleotide position 1027. The valine at codon 343 is replaced by isoleucine, an amino acid with highly similar properties. This amino acid position is conserved. In addition, this alteration is predicted to be tolerated by in silico analysis. Based on the available evidence, the clinical significance of this variant remains unclear.

NM_152703.5(SAMD9L):c.1027G>A (p.Val343Ile)

Gene: SAMD9L (sterile alpha motif domain containing 9 like; minus strand). Cytogenetic location: 7q21.2.
Variant type: single nucleotide variant.
Coding change: c.1027G>A on transcript NM_152703.5 (MANE Select); coding-DNA position 1027, G replaced by A.
Protein change: p.Val343Ile; replaces valine 343 with isoleucine.
Molecular consequence: missense variant.
Genome position (GRCh38, 1-based): chr7:93,134,945, C>T on the plus strand (G>A on the coding strand, the complement: SAMD9L is on the minus strand). VCF-style: chr7-93134945-C-T. GRCh37 (hg19) VCF-style: chr7-92764258-C-T.
Other names: c.1027G>A, p.Val343Ile (NM_001303496.3, NM_001303497.3, NM_001303498.3 and 5 more transcripts); short protein forms V343I.
Identifiers: ClinVar variation 3792303 (VCV003792303.1).